The following is an entry in ClinVar:

NM_001382567.1(STIM1):c.1896C>G (p.Pro632=)

Genes: STIM1 (stromal interaction molecule 1; plus strand), LOC124418421 (Sharpr-MPRA regulatory region 9588; plus strand). Cytogenetic location: 11p15.4.
Variant type: single nucleotide variant.
Coding change: c.1896C>G on transcript NM_001382567.1 (MANE Select); coding-DNA position 1896, C replaced by G.
Protein change: p.Pro632=; no amino-acid change (proline 632 retained).
Molecular consequence: synonymous variant. On other transcripts: 3 prime UTR variant (4), non-coding transcript variant (3).
Genome position (GRCh38, 1-based): chr11:4,091,543, C>G. VCF-style: chr11-4091543-C-G. GRCh37 (hg19) VCF-style: chr11-4112773-C-G.
Other names: p.Pro601=; c.2121C>G, p.Pro707= (NM_001277961.3); c.*217C>G (NM_001277962.2, NM_001382578.1, NM_001382579.1 and 1 more transcripts); c.1899C>G, p.Pro633= (NM_001382566.1); c.1824C>G, p.Pro608= (NM_001382568.1); c.1668C>G, p.Pro556= (NM_001382569.1); c.1575C>G, p.Pro525= (NM_001382570.1); c.1323C>G, p.Pro441= (NM_001382571.1); and 3 more.
Identifiers: ClinVar variation 258974 (VCV000258974.18), dbSNP rs61743670, ClinGen allele CA5830630.

ClinVar aggregate classification (germline): Benign. Review status: criteria provided, multiple submitters, no conflicts (2 of 4 stars). 5 submissions from 5 submitters: Benign (5). Last evaluated 2026-02-01.

Conditions:
Myopathy with tubular aggregates (TAM). Also called: Tubular Aggregate Myopathy. Identifiers: Orphanet 2593, MedGen C0410207, MONDO:0008051.
Stormorken syndrome (STRMK). Also called: THROMBOCYTOPATHY, ASPLENIA, AND MIOSIS. Identifiers: Orphanet 3204, MedGen C1861451, MONDO:0008497, OMIM 185070.
Combined immunodeficiency due to STIM1 deficiency. Also called: IMMUNODEFICIENCY 10; STIM1 DEFICIENCY. Identifiers: Orphanet 169090, Orphanet 317430, MedGen C2748557, MONDO:0013008, OMIM 612783.

Allele frequency attached by ClinVar (database versions not stated): ESP Exome Variant Server 0.00054; gnomAD 0.00360 and 0.00212; 1000 Genomes Project 0.01777; TOPMed 0.00325; ExAC 0.00938; gnomAD exomes 0.00953 and 0.00403; 1000 Genomes Project 30x 0.01702.
gnomAD v4.1: 6,584 of 1,614,204 alleles (0.41%); highest among the groups gnomAD compares: South Asian, 4.3%; 119 homozygotes.

Submissions (5):

Labcorp Genetics (formerly Invitae), Labcorp
Classification: Benign for Myopathy with tubular aggregates; Combined immunodeficiency due to STIM1 deficiency; Stormorken syndrome. Last evaluated: 2026-02-01. Review status: criteria provided, single submitter. Criteria: Invitae Variant Classification Sherloc (09022015). Collection method: clinical testing. Allele origin: germline.

Mayo Clinic Laboratories, Mayo Clinic
Classification: Benign. Last evaluated: 2023-10-03. Review status: criteria provided, single submitter. Criteria: ACMG Guidelines, 2015. Collection method: clinical testing. Allele origin: germline. Observed: 42 variant alleles.
Comment: BS1, BS2, BP4, BP7

GeneDx
Classification: Benign. Last evaluated: 2017-03-10. Review status: criteria provided, single submitter. Criteria: GeneDx Variant Classification (06012015). Collection method: clinical testing. Allele origin: germline. Affected: yes.
Comment: This variant is considered likely benign or benign based on one or more of the following criteria: it is a conservative change, it occurs at a poorly conserved position in the protein, it is predicted to be benign by multiple in silico algorithms, and/or has population frequency not consistent with disease.

Breakthrough Genomics
Classification: Benign. Review status: criteria provided, single submitter. Criteria: ACMG Guidelines, 2015. Collection method: not provided. Allele origin: germline. Inheritance: Autosomal recessive inheritance. Affected: yes.

PreventionGenetics, part of Exact Sciences
Classification: Benign. Review status: criteria provided, single submitter. Criteria: ACMG Guidelines, 2015. Collection method: clinical testing. Allele origin: germline.